The following is an entry in ClinVar:

ClinVar aggregate classification (germline): Uncertain significance (1 of 4 stars; one submission).

Allele frequency attached by ClinVar (database versions not stated): TOPMed below 0.00001; gnomAD 0.00001.
gnomAD v4.1: 8 of 1,614,014 alleles (0.0005%); highest among the groups gnomAD compares: African/African-American, 0.0013%; no homozygotes.

Submission:

Labcorp Genetics (formerly Invitae), Labcorp
Classification: Uncertain significance. Last evaluated: 2022-05-27. Review status: criteria provided, single submitter. Criteria: Invitae Variant Classification Sherloc (09022015). Collection method: clinical testing. Allele origin: germline.
Comment: This sequence change replaces arginine, which is basic and polar, with glutamine, which is neutral and polar, at codon 605 of the ADAMTS17 protein (p.Arg605Gln). This variant is present in population databases (no rsID available, gnomAD 0.0009%). In summary, the available evidence is currently insufficient to determine the role of this variant in disease. Therefore, it has been classified as a Variant of Uncertain Significance. Algorithms developed to predict the effect of missense changes on protein structure and function are either unavailable or do not agree on the potential impact of this missense change (SIFT: "Not Available"; PolyPhen-2: "Possibly Damaging"; Align-GVGD: "Not Available"). This variant has not been reported in the literature in individuals affected with ADAMTS17-related conditions.

NM_139057.4(ADAMTS17):c.1814G>A (p.Arg605Gln)

Gene: ADAMTS17 (ADAM metallopeptidase with thrombospondin type 1 motif 17; minus strand). Cytogenetic location: 15q26.3.
Variant type: single nucleotide variant.
Coding change: c.1814G>A on transcript NM_139057.4 (MANE Select); coding-DNA position 1814, G replaced by A.
Protein change: p.Arg605Gln; replaces arginine 605 with glutamine.
Molecular consequence: missense variant.
Genome position (GRCh38, 1-based): chr15:100,116,921, C>T on the plus strand (G>A on the coding strand, the complement: ADAMTS17 is on the minus strand). VCF-style: chr15-100116921-C-T. GRCh37 (hg19) VCF-style: chr15-100657126-C-T.
Other names: short protein forms R605Q.
Identifiers: ClinVar variation 1912412 (VCV001912412.5), dbSNP rs1170305501, ClinGen allele CA393933282.